The following is an entry in ClinVar:

NM_001242896.3(DEPDC5):c.2366A>G (p.Asp789Gly)

Gene: DEPDC5 (DEP domain containing 5, GATOR1 subcomplex subunit; plus strand). Cytogenetic location: 22q12.3.
Variant type: single nucleotide variant.
Coding change: c.2366A>G on transcript NM_001242896.3 (MANE Select); coding-DNA position 2366, A replaced by G.
Protein change: p.Asp789Gly; replaces aspartic acid 789 with glycine.
Molecular consequence: missense variant. On other transcripts: non-coding transcript variant (5).
Genome position (GRCh38, 1-based): chr22:31,838,696, A>G. VCF-style: chr22-31838696-A-G. GRCh37 (hg19) VCF-style: chr22-32234682-A-G.
Other names: c.2339A>G, p.Asp780Gly (NM_001136029.4, NM_001369903.1, NM_014662.6); c.2132A>G, p.Asp711Gly (NM_001242897.2, NM_001363854.2, NM_001364319.2); c.2366A>G, p.Asp789Gly (NM_001363852.2, NM_001364318.2, NM_001364320.2); c.2282A>G, p.Asp761Gly (NM_001369901.1, NM_001369902.1); short protein forms D711G, D789G, D761G, D780G.
Identifiers: ClinVar variation 2721651 (VCV002721651.3), dbSNP rs373548774, ClinGen allele CA10196706.
Genomic context (GRCh38, chr22:31,838,696, plus strand): 5'-CACTGTCTCGGGCCAAGCATCTGTATGAGCAATCATCTGTTGTTTTCAGGAGGGACGAAG[A>G]TGGTGTGCAGATGACAGCCCAGCAGGTATTTGAAGAGTTTATTTGCCAACGTCTCATGCA-3'
Protein context (NP_001229825.1, residues 779-799): PEADIDRRDE[Asp789Gly]GVQMTAQQVF

ClinVar aggregate classification (germline): Uncertain significance (1 of 4 stars; one submission).

Conditions:
Familial focal epilepsy with variable foci (FPEVF). Identifiers: Orphanet 98820, MedGen C1858477, MONDO:0020310.

Allele frequency attached by ClinVar (database versions not stated): ExAC 0.00002; gnomAD exomes 0.00005; ESP Exome Variant Server 0.00008.
gnomAD v4.1: 66 of 1,614,096 alleles (0.0041%); highest among the groups gnomAD compares: Non-Finnish European, 0.0056%; no homozygotes.

Submission:

Labcorp Genetics (formerly Invitae), Labcorp
Classification: Uncertain significance for Familial focal epilepsy with variable foci. Last evaluated: 2024-07-24. Review status: criteria provided, single submitter. Criteria: Invitae Variant Classification Sherloc (09022015). Collection method: clinical testing. Allele origin: germline.
Comment: This sequence change replaces aspartic acid, which is acidic and polar, with glycine, which is neutral and non-polar, at codon 789 of the DEPDC5 protein (p.Asp789Gly). This variant is present in population databases (rs373548774, gnomAD 0.004%). This variant has not been reported in the literature in individuals affected with DEPDC5-related conditions. Experimental studies and prediction algorithms are not available or were not evaluated, and the functional significance of this variant is currently unknown. In summary, the available evidence is currently insufficient to determine the role of this variant in disease. Therefore, it has been classified as a Variant of Uncertain Significance.